The following is an entry in ClinVar:

NC_000006.12:g.(?_64912474)_(64912753_?)del

Gene: EYS (eyes shut homolog; minus strand). Cytogenetic location: 6q12.
Variant type: Deletion.
Identifiers: ClinVar variation 832930 (VCV000832930.1).

ClinVar aggregate classification (germline): Pathogenic (1 of 4 stars; one submission).

Submission:

Labcorp Genetics (formerly Invitae), Labcorp
Classification: Pathogenic. Last evaluated: 2019-07-17. Review status: criteria provided, single submitter. Criteria: Invitae Variant Classification Sherloc (09022015). Collection method: clinical testing. Allele origin: germline.
Comment: This variant is an out-of-frame deletion of the genomic region encompassing exon 16 of the EYS gene. This is expected to create a premature translational stop signal and result in an absent or disrupted protein product. This variant has not been reported in the literature in individuals with EYS-related conditions. Loss-of-function variants in EYS are known to be pathogenic (PMID: 18836446, 20333770). For these reasons, this variant has been classified as Pathogenic.